The following is an entry in ClinVar:

NM_001267550.2(TTN):c.11421C>G (p.Tyr3807Ter)

Gene: TTN (titin; minus strand). Cytogenetic location: 2q31.2.
Variant type: single nucleotide variant.
Coding change: c.11421C>G on transcript NM_001267550.2 (MANE Select); coding-DNA position 11421, C replaced by G.
Protein change: p.Tyr3807Ter; replaces tyrosine 3807 with a stop codon.
Molecular consequence: nonsense. On other transcripts: intron variant (1).
Genome position (GRCh38, 1-based): chr2:178,741,812, G>C on the plus strand (C>G on the coding strand, the complement: TTN is on the minus strand). VCF-style: chr2-178741812-G-C. GRCh37 (hg19) VCF-style: chr2-179606539-G-C.
Other names: c.10470C>G, p.Tyr3490Ter (NM_001256850.1); c.10332C>G, p.Tyr3444Ter (NM_003319.4); c.10707C>G, p.Tyr3569Ter (NM_133432.3); c.10908C>G, p.Tyr3636Ter (NM_133437.4); c.10361-3452C>G (NM_133378.4); short protein forms Y3444*, Y3490*, Y3569*, Y3636*, Y3807*.
Identifiers: ClinVar variation 4874477 (VCV004874477.2).

ClinVar aggregate classification (germline): Likely pathogenic (1 of 4 stars; one submission).

Submission:

CeGaT Center for Human Genetics Tuebingen
Classification: Likely pathogenic. Last evaluated: 2026-09-01. Review status: criteria provided, single submitter. Criteria: CeGaT Center For Human Genetics Tuebingen Variant Classification Criteria Version 2. Collection method: clinical testing. Allele origin: germline. Affected: yes. Observed: 2 variant alleles.
Comment: TTN: PVS1:Strong, PM2